The following is an entry in ClinVar:

NM_001136271.3(NKX2-6):c.298C>A (p.Pro100Thr)

Gene: NKX2-6 (NK2 homeobox 6; minus strand). Cytogenetic location: 8p21.2.
Variant type: single nucleotide variant.
Coding change: c.298C>A on transcript NM_001136271.3 (MANE Select); coding-DNA position 298, C replaced by A.
Protein change: p.Pro100Thr; replaces proline 100 with threonine.
Molecular consequence: missense variant.
Genome position (GRCh38, 1-based): chr8:23,703,059, G>T on the plus strand (C>A on the coding strand, the complement: NKX2-6 is on the minus strand). VCF-style: chr8-23703059-G-T. GRCh37 (hg19) VCF-style: chr8-23560572-G-T.
Other names: short protein forms P100T.
Identifiers: ClinVar variation 2958255 (VCV002958255.3), dbSNP rs61740725, ClinGen allele CA174010929.

ClinVar aggregate classification (germline): Uncertain significance (1 of 4 stars; one submission).

Conditions:
Conotruncal heart malformations (CTHM). Also called: Conotruncal heart malformations, variable. Identifiers: Orphanet 2445, Orphanet 3384, Orphanet 3426, MedGen C1857586, MONDO:0016581, OMIM 217095.

Allele frequency attached by ClinVar (database versions not stated): TOPMed 0.00045; 1000 Genomes Project 30x 0.00047; 1000 Genomes Project 0.00060.
gnomAD v4.1: 124 of 1,540,224 alleles (0.0081%); highest among the groups gnomAD compares: African/African-American, 0.14%; no homozygotes.

Submission:

Labcorp Genetics (formerly Invitae), Labcorp
Classification: Uncertain significance for Conotruncal heart malformations. Last evaluated: 2025-03-02. Review status: criteria provided, single submitter. Criteria: Invitae Variant Classification Sherloc (09022015). Collection method: clinical testing. Allele origin: germline.
Comment: This sequence change replaces proline, which is neutral and non-polar, with threonine, which is neutral and polar, at codon 100 of the NKX2-6 protein (p.Pro100Thr). This variant is present in population databases (rs61740725, gnomAD 0.1%), and has an allele count higher than expected for a pathogenic variant. This variant has not been reported in the literature in individuals affected with NKX2-6-related conditions. ClinVar contains an entry for this variant (Variation ID: 2958255). Invitae Evidence Modeling of protein sequence and biophysical properties (such as structural, functional, and spatial information, amino acid conservation, physicochemical variation, residue mobility, and thermodynamic stability) indicates that this missense variant is not expected to disrupt NKX2-6 protein function with a negative predictive value of 80%. In summary, the available evidence is currently insufficient to determine the role of this variant in disease. Therefore, it has been classified as a Variant of Uncertain Significance.